The following is an entry in ClinVar:

NM_000218.3(KCNQ1):c.742T>C (p.Trp248Arg)

Gene: KCNQ1 (potassium voltage-gated channel subfamily Q member 1; plus strand). Cytogenetic location: 11p15.5.
Variant type: single nucleotide variant.
Coding change: c.742T>C on transcript NM_000218.3 (MANE Select); coding-DNA position 742, T replaced by C.
Protein change: p.Trp248Arg; replaces tryptophan 248 with arginine.
Molecular consequence: missense variant.
Genome position (GRCh38, 1-based): chr11:2,572,071, T>C. VCF-style: chr11-2572071-T-C. GRCh37 (hg19) VCF-style: chr11-2593301-T-C.
Other names: p.W248R:TGG>CGG; c.742T>C (LRG_287t1); c.742T>C, p.Trp248Arg (NM_001406836.1); c.472T>C, p.Trp158Arg (NM_001406837.1); c.361T>C, p.Trp121Arg (NM_181798.2); short protein forms W248R, W121R, W158R.
Identifiers: ClinVar variation 67101 (VCV000067101.9), dbSNP rs199473459, ClinGen allele CA008035.

ClinVar aggregate classification (germline): Pathogenic/Likely pathogenic. Review status: criteria provided, multiple submitters, no conflicts (2 of 4 stars). 3 submissions from 3 submitters: Pathogenic (1); Likely pathogenic (1). 1 of the submissions does not count toward it. Last evaluated 2025-02-11.

Conditions:
Familial long QT syndrome (RWS). Also called: Congenital long QT syndrome; Romano-Ward syndrome; VENTRICULAR FIBRILLATION WITH PROLONGED QT INTERVAL. Identifiers: Orphanet 768, MedGen C1141890, MONDO:0019171.
Long QT syndrome (LQTS). Identifiers: MedGen C0023976, MeSH D008133, MONDO:0002442. Disease mechanism: loss of function. Inheritance: Various modes of inheritance.

Submissions (3):

Labcorp Genetics (formerly Invitae), Labcorp
Classification: Likely pathogenic for Long QT syndrome. Last evaluated: 2025-02-11. Review status: criteria provided, single submitter. Criteria: Invitae Variant Classification Sherloc (09022015). Collection method: clinical testing. Allele origin: germline.
Comment: This sequence change replaces tryptophan, which is neutral and slightly polar, with arginine, which is basic and polar, at codon 248 of the KCNQ1 protein (p.Trp248Arg). This variant is not present in population databases (gnomAD no frequency). This missense change has been observed in individuals with long QT syndrome (PMID: 10973849). ClinVar contains an entry for this variant (Variation ID: 67101). Invitae Evidence Modeling of protein sequence and biophysical properties (such as structural, functional, and spatial information, amino acid conservation, physicochemical variation, residue mobility, and thermodynamic stability) indicates that this missense variant is expected to disrupt KCNQ1 protein function with a positive predictive value of 95%. Experimental studies have shown that this missense change affects KCNQ1 function (PMID: 10409658, 14576198). This variant disrupts the p.Trp248 amino acid residue in KCNQ1. Other variant(s) that disrupt this residue have been observed in individuals with KCNQ1-related conditions (PMID: 33082985), which suggests that this may be a clinically significant amino acid residue. In summary, the currently available evidence indicates that the variant is pathogenic, but additional data are needed to prove that conclusively. Therefore, this variant has been classified as Likely Pathogenic.

GeneDx
Classification: Pathogenic. Last evaluated: 2012-05-15. Review status: criteria provided, single submitter. Criteria: GeneDx Variant Classification (06012015). Collection method: clinical testing. Allele origin: germline. Affected: yes.
Comment: p.Trp248Arg (TGG>CGG): c.742 T>C in exon 5 of the KCNQ1 gene (NM_000218.2). The Trp248Arg mutation in the KCNQ1 gene has been reported in association with LQTS, and this mutation was absent from 400 control alleles (Franqueza L et al., 1999; Splawski I et al., 2000). In addition, the NHLBI ESP Exome Variant Server reports Trp248Arg was not observed in approximately 5,300 samples from individuals of European and African American backgrounds, indicating it is not a common benign variant in these populations. Functional studies have reported that Trp248Arg suppresses the ion current and results in a loss of normal channel function (Franqueza L et al., 1999; Seebohm G et al., 2003). Trp248Arg results in a non-conservative amino acid substitution of a non-polar Tryptophan with a positively charged Arginine at a residue that is conserved across species. Different missense mutations at the same codon (Trp248Cys) as well as in neighboring codons (Arg243Pro, Arg243Ser, Leu250His, Leu250Pro) have also been reported in association with LQTS, further supporting the functional importance of this region of the protein. In summary, Trp248Arg in the KCNQ1 gene is interpreted as a disease-causing mutation. The variant is found in LQT panel(s).

Cardiovascular Biomedical Research Unit, Royal Brompton & Harefield NHS Foundation Trust
No classification provided. Condition: Familial long QT syndrome. Review status: no classification provided. Collection method: literature only. Allele origin: germline. Not counted in ClinVar's aggregate classification.
Comment: This variant has been reported as associated with Long QT syndrome in the following publications (PMID:10409658;PMID:10973849). This is a literature report, and does not necessarily reflect the clinical interpretation of the Imperial College / Royal Brompton Cardiovascular Genetics laboratory.

Literature cited by the submitters: PubMed 10973849 (cited by Labcorp Genetics (formerly Invitae), Labcorp and Cardiovascular Biomedical Research Unit, Royal Brompton & Harefield NHS Foundation Trust); PubMed 10409658 (cited by Labcorp Genetics (formerly Invitae), Labcorp and Cardiovascular Biomedical Research Unit, Royal Brompton & Harefield NHS Foundation Trust); PubMed 14576198 (cited by Labcorp Genetics (formerly Invitae), Labcorp); PubMed 33082985 (cited by Labcorp Genetics (formerly Invitae), Labcorp); PubMed 22581653 (cited by Cardiovascular Biomedical Research Unit, Royal Brompton & Harefield NHS Foundation Trust).